The following is an entry in ClinVar:

ClinVar aggregate classification (germline): Uncertain significance (1 of 4 stars; one submission).

Submission:

Labcorp Genetics (formerly Invitae), Labcorp
Classification: Uncertain significance. Last evaluated: 2024-10-21. Review status: criteria provided, single submitter. Criteria: Invitae Variant Classification Sherloc (09022015). Collection method: clinical testing. Allele origin: germline.
Comment: This sequence change replaces glutamine, which is neutral and polar, with glutamic acid, which is acidic and polar, at codon 301 of the CFI protein (p.Gln301Glu). This variant is not present in population databases (gnomAD no frequency). This variant has not been reported in the literature in individuals affected with CFI-related conditions. Invitae Evidence Modeling of protein sequence and biophysical properties (such as structural, functional, and spatial information, amino acid conservation, physicochemical variation, residue mobility, and thermodynamic stability) indicates that this missense variant is not expected to disrupt CFI protein function with a negative predictive value of 95%. In summary, the available evidence is currently insufficient to determine the role of this variant in disease. Therefore, it has been classified as a Variant of Uncertain Significance.

NM_000204.5(CFI):c.901C>G (p.Gln301Glu)

Gene: CFI (complement factor I; minus strand). Cytogenetic location: 4q25.
Variant type: single nucleotide variant.
Coding change: c.901C>G on transcript NM_000204.5 (MANE Select); coding-DNA position 901, C replaced by G.
Protein change: p.Gln301Glu; replaces glutamine 301 with glutamic acid.
Molecular consequence: missense variant. On other transcripts: non-coding transcript variant (3), intron variant (4).
Genome position (GRCh38, 1-based): chr4:109,757,766, G>C on the plus strand (C>G on the coding strand, the complement: CFI is on the minus strand). VCF-style: chr4-109757766-G-C. GRCh37 (hg19) VCF-style: chr4-110678922-G-C.
Other names: c.925C>G, p.Gln309Glu (NM_001318057.2, NM_001375278.1); c.292C>G, p.Gln98Glu (NM_001375284.1); c.883+2504C>G (NM_001375282.1, NM_001375280.1, NM_001375283.1 and 1 more transcripts); c.901C>G, p.Gln301Glu (NM_001375279.1, NM_001375281.1); short protein forms Q309E, Q301E, Q98E.
Identifiers: ClinVar variation 3682099 (VCV003682099.2).